The following is an entry in ClinVar:

ClinVar aggregate classification (germline): Pathogenic. Review status: criteria provided, multiple submitters, no conflicts (2 of 4 stars). 2 submissions from 2 submitters: Pathogenic (2). Last evaluated 2025-11-17.

Conditions:
Cardiovascular phenotype. Identifiers: MedGen CN230736.
Myofibrillar myopathy 6. Identifiers: Orphanet 199340, MedGen C2751831, MONDO:0013061, OMIM 612954.
Dilated cardiomyopathy 1HH (CMD1HH). Identifiers: Orphanet 154, MedGen C3151293, MONDO:0013479, OMIM 613881.

Submissions (2):

Ambry Genetics
Classification: Pathogenic for Cardiovascular phenotype. Last evaluated: 2025-11-17. Review status: criteria provided, single submitter. Criteria: Ambry Variant Classification Scheme 2023. Collection method: clinical testing. Allele origin: germline.
Comment: The c.257dupA pathogenic mutation, located in coding exon 2 of the BAG3 gene, results from a duplication of A at nucleotide position 257, causing a translational frameshift with a predicted alternate stop codon (p.Y86*). This variant is considered to be rare based on population cohorts in the Genome Aggregation Database (gnomAD). This alteration is expected to result in loss of function by premature protein truncation or nonsense-mediated mRNA decay. As such, this alteration is interpreted as a disease-causing mutation.

Labcorp Genetics (formerly Invitae), Labcorp
Classification: Pathogenic for Dilated cardiomyopathy 1HH; Myofibrillar myopathy 6. Last evaluated: 2024-09-02. Review status: criteria provided, single submitter. Criteria: Invitae Variant Classification Sherloc (09022015). Collection method: clinical testing. Allele origin: germline.
Comment: This sequence change creates a premature translational stop signal (p.Tyr86*) in the BAG3 gene. It is expected to result in an absent or disrupted protein product. Loss-of-function variants in BAG3 are known to be pathogenic (PMID: 21353195, 25008357). This variant is not present in population databases (gnomAD no frequency). This variant has not been reported in the literature in individuals affected with BAG3-related conditions. For these reasons, this variant has been classified as Pathogenic.

Literature cited by the submitters: PubMed 21353195 (cited by Labcorp Genetics (formerly Invitae), Labcorp); PubMed 25008357 (cited by Labcorp Genetics (formerly Invitae), Labcorp).

NM_004281.4(BAG3):c.257dup (p.Tyr86Ter)

Gene: BAG3 (BAG cochaperone 3; plus strand). Cytogenetic location: 10q26.11.
Variant type: Duplication.
Coding change: c.257dup on transcript NM_004281.4 (MANE Select); coding-DNA position 257, one base duplicated (A; older notation c.257dupA).
Protein change: p.Tyr86Ter; replaces tyrosine 86 with a stop codon.
Molecular consequence: nonsense.
Genome position (GRCh38, 1-based): chr10:119,669,927, A duplicated. VCF-style (leftmost placement, unchanged base first): chr10-119669926-T-TA. GRCh37 (hg19) VCF-style: chr10-121429438-T-TA.
Other names: c.257dupA (NM_004281.3); short protein forms Y86*.
Identifiers: ClinVar variation 3748065 (VCV003748065.3).